The following is an entry in ClinVar:

NM_000264.5(PTCH1):c.3917C>T (p.Pro1306Leu)

Gene: PTCH1 (patched 1; minus strand). Cytogenetic location: 9q22.32.
Variant type: single nucleotide variant.
Coding change: c.3917C>T on transcript NM_000264.5 (MANE Select); coding-DNA position 3917, C replaced by T.
Protein change: p.Pro1306Leu; replaces proline 1306 with leucine.
Molecular consequence: missense variant. On other transcripts: non-coding transcript variant (1).
Genome position (GRCh38, 1-based): chr9:95,447,339, G>A on the plus strand (C>T on the coding strand, the complement: PTCH1 is on the minus strand). VCF-style: chr9-95447339-G-A. GRCh37 (hg19) VCF-style: chr9-98209621-G-A.
Other names: c.3719C>T, p.Pro1240Leu (NM_001083602.3); c.3914C>T, p.Pro1305Leu (NM_001083603.3); c.3464C>T, p.Pro1155Leu (NM_001083604.3, NM_001083605.3, NM_001083606.3 and 1 more transcripts); c.3761C>T, p.Pro1254Leu (NM_001354918.2); short protein forms P1254L, P1240L, P1305L, P1155L, P1306L.
Identifiers: ClinVar variation 4146814 (VCV004146814.1).

ClinVar aggregate classification (germline): Uncertain significance (1 of 4 stars; one submission).

Conditions:
Hereditary cancer-predisposing syndrome. Also called: Hereditary neoplastic syndrome; Neoplastic Syndromes, Hereditary; Tumor predisposition; Hereditary Cancer Syndrome. Identifiers: Orphanet 140162, MedGen C0027672, MeSH D009386, MONDO:0015356.

Submission:

Ambry Genetics
Classification: Uncertain significance for Hereditary cancer-predisposing syndrome. Last evaluated: 2025-06-25. Review status: criteria provided, single submitter. Criteria: Ambry Variant Classification Scheme 2023. Collection method: clinical testing. Allele origin: germline.
Comment: The p.P1306L variant (also known as c.3917C>T), located in coding exon 23 of the PTCH1 gene, results from a C to T substitution at nucleotide position 3917. The proline at codon 1306 is replaced by leucine, an amino acid with similar properties. This amino acid position is not well conserved in available vertebrate species. In addition, this alteration is predicted to be tolerated by in silico analysis. Based on the available evidence, the clinical significance of this variant remains unclear.